The following is an entry in ClinVar:

NM_177438.3(DICER1):c.76C>T (p.Pro26Ser)

Gene: DICER1 (dicer 1, ribonuclease III; minus strand). Cytogenetic location: 14q32.13.
Variant type: single nucleotide variant.
Coding change: c.76C>T on transcript NM_177438.3 (MANE Select); coding-DNA position 76, C replaced by T.
Protein change: p.Pro26Ser; replaces proline 26 with serine.
Molecular consequence: missense variant. On other transcripts: 5 prime UTR variant (8), non-coding transcript variant (6), intron variant (1).
Genome position (GRCh38, 1-based): chr14:95,133,383, G>A on the plus strand (C>T on the coding strand, the complement: DICER1 is on the minus strand). VCF-style: chr14-95133383-G-A. GRCh37 (hg19) VCF-style: chr14-95599720-G-A.
Other names: c.76C>T, p.Pro26Ser (NM_001195573.1, NM_001271282.3, NM_001291628.2 and 15 more transcripts); c.-199C>T (NM_001395686.1, NM_001395688.1, NM_001395689.1 and 3 more transcripts); c.-383C>T (NM_001395691.1); c.-1493C>T (NM_001395697.1); c.-130-706C>T (NM_001395687.1); short protein forms P26S.
Identifiers: ClinVar variation 2728420 (VCV002728420.4), dbSNP rs1894122646, ClinGen allele CA390890556.

ClinVar aggregate classification (germline): Uncertain significance. Review status: criteria provided, multiple submitters, no conflicts (2 of 4 stars). 2 submissions from 2 submitters: Uncertain significance (2). Last evaluated 2024-11-17.

Conditions:
Hereditary cancer-predisposing syndrome. Also called: Hereditary neoplastic syndrome; Hereditary Cancer Syndrome; Neoplastic Syndromes, Hereditary; Tumor predisposition. Identifiers: Orphanet 140162, MedGen C0027672, MeSH D009386, MONDO:0015356.
DICER1-related tumor predisposition. Also called: DICER1-related pleuropulmonary blastoma cancer predisposition syndrome; DICER1 syndrome. Identifiers: Orphanet 284343, MedGen C3839822, MONDO:0100216.

Submissions (2):

Ambry Genetics
Classification: Uncertain significance for Hereditary cancer-predisposing syndrome. Last evaluated: 2024-11-17. Review status: criteria provided, single submitter. Criteria: Ambry Variant Classification Scheme 2023. Collection method: clinical testing. Allele origin: germline.
Comment: The p.P26S variant (also known as c.76C>T), located in coding exon 1 of the DICER1 gene, results from a C to T substitution at nucleotide position 76. The proline at codon 26 is replaced by serine, an amino acid with similar properties. This amino acid position is conserved. In addition, the in silico prediction for this alteration is inconclusive. Based on the available evidence, the clinical significance of this variant remains unclear.

Labcorp Genetics (formerly Invitae), Labcorp
Classification: Uncertain significance for DICER1-related tumor predisposition. Last evaluated: 2023-08-28. Review status: criteria provided, single submitter. Criteria: Invitae Variant Classification Sherloc (09022015). Collection method: clinical testing. Allele origin: germline.
Comment: This sequence change replaces proline, which is neutral and non-polar, with serine, which is neutral and polar, at codon 26 of the DICER1 protein (p.Pro26Ser). This variant is not present in population databases (gnomAD no frequency). This variant has not been reported in the literature in individuals affected with DICER1-related conditions. An algorithm developed to predict the effect of missense changes on protein structure and function (PolyPhen-2) suggests that this variant is likely to be disruptive. In summary, the available evidence is currently insufficient to determine the role of this variant in disease. Therefore, it has been classified as a Variant of Uncertain Significance.